The following is an entry in ClinVar:

NM_004525.3(LRP2):c.9469A>G (p.Thr3157Ala)

Gene: LRP2 (LDL receptor related protein 2; minus strand). Cytogenetic location: 2q31.1.
Variant type: single nucleotide variant.
Coding change: c.9469A>G on transcript NM_004525.3 (MANE Select); coding-DNA position 9469, A replaced by G.
Protein change: p.Thr3157Ala; replaces threonine 3157 with alanine.
Molecular consequence: missense variant.
Genome position (GRCh38, 1-based): chr2:169,185,879, T>C on the plus strand (A>G on the coding strand, the complement: LRP2 is on the minus strand). VCF-style: chr2-169185879-T-C. GRCh37 (hg19) VCF-style: chr2-170042389-T-C.
Other names: short protein forms T3157A.
Identifiers: ClinVar variation 1942754 (VCV001942754.2), dbSNP rs1408173928, ClinGen allele CA349154513.

ClinVar aggregate classification (germline): Uncertain significance (1 of 4 stars; one submission).

Allele frequency attached by ClinVar (database versions not stated): gnomAD exomes 0.00001; TOPMed 0.00001.
gnomAD v4.1: 5 of 1,614,040 alleles (0.00031%); highest among the groups gnomAD compares: Admixed American, 0.0083%; no homozygotes.

Submission:

Labcorp Genetics (formerly Invitae), Labcorp
Classification: Uncertain significance. Last evaluated: 2022-07-25. Review status: criteria provided, single submitter. Criteria: Invitae Variant Classification Sherloc (09022015). Collection method: clinical testing. Allele origin: germline.
Comment: This sequence change replaces threonine, which is neutral and polar, with alanine, which is neutral and non-polar, at codon 3157 of the LRP2 protein (p.Thr3157Ala). This variant is present in population databases (no rsID available, gnomAD 0.01%). This variant has not been reported in the literature in individuals affected with LRP2-related conditions. Advanced modeling of protein sequence and biophysical properties (such as structural, functional, and spatial information, amino acid conservation, physicochemical variation, residue mobility, and thermodynamic stability) performed at Invitae indicates that this missense variant is not expected to disrupt LRP2 protein function. In summary, the available evidence is currently insufficient to determine the role of this variant in disease. Therefore, it has been classified as a Variant of Uncertain Significance.